The following is an entry in ClinVar:

NM_000370.3(TTPA):c.616G>A (p.Val206Ile)

Gene: TTPA (alpha tocopherol transfer protein; minus strand). Cytogenetic location: 8q12.3.
Variant type: single nucleotide variant.
Coding change: c.616G>A on transcript NM_000370.3 (MANE Select); coding-DNA position 616, G replaced by A.
Protein change: p.Val206Ile; replaces valine 206 with isoleucine.
Molecular consequence: missense variant.
Genome position (GRCh38, 1-based): chr8:63,064,253, C>T on the plus strand (G>A on the coding strand, the complement: TTPA is on the minus strand). VCF-style: chr8-63064253-C-T. GRCh37 (hg19) VCF-style: chr8-63976812-C-T.
Other names: short protein forms V206I.
Identifiers: ClinVar variation 363560 (VCV000363560.29), dbSNP rs554118281, ClinGen allele CA4763189.

ClinVar aggregate classification (germline): Uncertain significance. Review status: criteria provided, multiple submitters, no conflicts (2 of 4 stars). 4 submissions from 4 submitters: Uncertain significance (4). Last evaluated 2025-12-02.

Conditions:
Inborn genetic diseases. Identifiers: MedGen C0950123, MeSH D030342.
Familial isolated deficiency of vitamin E (AVED). Also called: Ataxia with isolated vitamin E deficiency; ATAXIA, FRIEDREICH-LIKE, WITH SELECTIVE VITAMIN E DEFICIENCY. Identifiers: Orphanet 96, MedGen C1848533, MONDO:0010188, OMIM 277460.

Allele frequency attached by ClinVar (database versions not stated): ExAC 0.00003; gnomAD 0.00003 and 0.00004; TOPMed 0.00003; gnomAD exomes 0.00004 and 0.00006.

Submissions (4):

Ambry Genetics
Classification: Uncertain significance for Inborn genetic diseases. Last evaluated: 2025-12-02. Review status: criteria provided, single submitter. Criteria: Ambry Variant Classification Scheme 2023. Collection method: clinical testing. Allele origin: germline.

CeGaT Center for Human Genetics Tuebingen
Classification: Uncertain significance. Last evaluated: 2024-03-01. Review status: criteria provided, single submitter. Criteria: CeGaT Center For Human Genetics Tuebingen Variant Classification Criteria Version 2. Collection method: clinical testing. Allele origin: germline. Affected: yes. Observed: 1 variant allele.
Comment: TTPA: PM2

Labcorp Genetics (formerly Invitae), Labcorp
Classification: Uncertain significance. Last evaluated: 2022-07-05. Review status: criteria provided, single submitter. Criteria: Invitae Variant Classification Sherloc (09022015). Collection method: clinical testing. Allele origin: germline.
Comment: This sequence change replaces valine, which is neutral and non-polar, with isoleucine, which is neutral and non-polar, at codon 206 of the TTPA protein (p.Val206Ile). This variant is present in population databases (rs554118281, gnomAD 0.008%). This variant has not been reported in the literature in individuals affected with TTPA-related conditions. ClinVar contains an entry for this variant (Variation ID: 363560). Algorithms developed to predict the effect of missense changes on protein structure and function are either unavailable or do not agree on the potential impact of this missense change (SIFT: "Deleterious"; PolyPhen-2: "Benign"; Align-GVGD: "Class C25"). In summary, the available evidence is currently insufficient to determine the role of this variant in disease. Therefore, it has been classified as a Variant of Uncertain Significance.

Illumina Laboratory Services, Illumina
Classification: Uncertain significance for Familial isolated deficiency of vitamin E. Last evaluated: 2018-01-12. Review status: criteria provided, single submitter. Criteria: ICSL Variant Classification Criteria 13 December 2019. Collection method: clinical testing. Allele origin: germline.